The following is an entry in ClinVar:

ClinVar aggregate classification (germline): Conflicting classifications of pathogenicity. Review status: criteria provided, conflicting classifications (1 of 4 stars). 4 submissions from 4 submitters: Uncertain significance (2); Likely benign (1). 1 of the submissions does not count toward it. Last evaluated 2025-03-13.

Conditions:
CNGB1-related disorder. Also called: CNGB1-related condition.
Inborn genetic diseases. Identifiers: MedGen C0950123, MeSH D030342.

Allele frequency attached by ClinVar (database versions not stated): gnomAD exomes 0.00004; ExAC 0.00006; gnomAD 0.00025 and 0.00027; TOPMed 0.00026; ESP Exome Variant Server 0.00040.
gnomAD v4.1: 73 of 1,613,960 alleles (0.0045%); highest among the groups gnomAD compares: African/African-American, 0.059%; no homozygotes.

Submissions (4):

Labcorp Genetics (formerly Invitae), Labcorp
Classification: Likely benign. Last evaluated: 2025-03-13. Review status: criteria provided, single submitter. Criteria: Invitae Variant Classification Sherloc (09022015). Collection method: clinical testing. Allele origin: germline.

Ambry Genetics
Classification: Uncertain significance for Inborn genetic diseases. Last evaluated: 2024-07-09. Review status: criteria provided, single submitter. Criteria: Ambry Variant Classification Scheme 2023. Collection method: clinical testing. Allele origin: germline.

Blueprint Genetics
Classification: Uncertain significance. Last evaluated: 2023-10-06. Review status: criteria provided, single submitter. Criteria: ACMG Guidelines, 2015. Collection method: clinical testing. Allele origin: germline.

PreventionGenetics, part of Exact Sciences
Classification: Uncertain significance for CNGB1-related condition. Last evaluated: 2024-09-12. Review status: no assertion criteria provided. Collection method: clinical testing. Allele origin: germline. Not counted in ClinVar's aggregate classification.
Comment: The CNGB1 c.2054C>T variant is predicted to result in the amino acid substitution p.Pro685Leu. To our knowledge, this variant has not been reported in the literature. This variant is reported in 0.058% of alleles in individuals of African descent in gnomAD, which may be too common to be an unreported cause of disease. Although we suspect that this variant may be benign, at this time, the clinical significance of this variant is uncertain due to the absence of conclusive functional and genetic evidence.

NM_001297.5(CNGB1):c.2054C>T (p.Pro685Leu)

Gene: CNGB1 (cyclic nucleotide gated channel subunit beta 1; minus strand). Cytogenetic location: 16q21.
Variant type: single nucleotide variant.
Coding change: c.2054C>T on transcript NM_001297.5 (MANE Select); coding-DNA position 2054, C replaced by T.
Protein change: p.Pro685Leu; replaces proline 685 with leucine.
Molecular consequence: missense variant.
Genome position (GRCh38, 1-based): chr16:57,917,380, G>A on the plus strand (C>T on the coding strand, the complement: CNGB1 is on the minus strand). VCF-style: chr16-57917380-G-A. GRCh37 (hg19) VCF-style: chr16-57951284-G-A.
Other names: c.2036C>T, p.Pro679Leu (NM_001286130.2); c.2054C>T (NM_001297.4); short protein forms P679L, P685L.
Identifiers: ClinVar variation 1490139 (VCV001490139.10), dbSNP rs199594245, ClinGen allele CA8083188.